The following is an entry in ClinVar:

NM_001130009.3(GEN1):c.2026G>A (p.Glu676Lys)

Gene: GEN1 (GEN1 Holliday junction 5' flap endonuclease; plus strand). Cytogenetic location: 2p24.2.
Variant type: single nucleotide variant.
Coding change: c.2026G>A on transcript NM_001130009.3 (MANE Select); coding-DNA position 2026, G replaced by A.
Protein change: p.Glu676Lys; replaces glutamic acid 676 with lysine.
Molecular consequence: missense variant.
Genome position (GRCh38, 1-based): chr2:17,781,238, G>A. VCF-style: chr2-17781238-G-A. GRCh37 (hg19) VCF-style: chr2-17962505-G-A.
Other names: c.2026G>A, p.Glu676Lys (NM_182625.5); short protein forms E676K.
Identifiers: ClinVar variation 4029176 (VCV004029176.1).

ClinVar aggregate classification (germline): Uncertain significance (1 of 4 stars; one submission).

Submission:

Ambry Genetics
Classification: Uncertain significance. Last evaluated: 2025-03-29. Review status: criteria provided, single submitter. Criteria: Ambry Variant Classification Scheme 2023. Collection method: clinical testing. Allele origin: germline.
Comment: The p.E676K variant (also known as c.2026G>A), located in coding exon 13 of the GEN1 gene, results from a G to A substitution at nucleotide position 2026. The glutamic acid at codon 676 is replaced by lysine, an amino acid with similar properties. This amino acid position is conserved. In addition, this alteration is predicted to be tolerated by in silico analysis. Based on the available evidence, the clinical significance of this variant remains unclear.